The following is an entry in ClinVar:

NM_001004051.4(GPRASP2):c.2152A>G (p.Asn718Asp)

Genes: ARMCX5-GPRASP2 (ARMCX5-GPRASP2 readthrough; plus strand), GPRASP2 (G protein-coupled receptor associated sorting protein 2; plus strand). Cytogenetic location: Xq22.1.
Variant type: single nucleotide variant.
Coding change: c.2152A>G on transcript NM_001004051.4 (MANE Select); coding-DNA position 2152, A replaced by G.
Protein change: p.Asn718Asp; replaces asparagine 718 with aspartic acid.
Molecular consequence: missense variant. On other transcripts: intron variant (3).
Genome position (GRCh38, 1-based): chrX:102,717,021, A>G. VCF-style: chrX-102717021-A-G. GRCh37 (hg19) VCF-style: chrX-101971949-A-G.
Other names: c.2152A>G, p.Asn718Asp (NM_001199818.1, NM_001184874.3, NM_001184875.3 and 2 more transcripts); c.-820+2755A>G (NM_001350268.2); c.-752+2755A>G (NM_001350269.2); c.-721+2755A>G (NM_001350270.1); short protein forms N718D.
Identifiers: ClinVar variation 3352356 (VCV003352356.1).

ClinVar aggregate classification (germline): Likely benign (0 of 4 stars; one submission).

Conditions:
GPRASP2-related disorder. Also called: GPRASP2-related condition.

Submission:

PreventionGenetics, part of Exact Sciences
Classification: Likely benign for GPRASP2-related condition. Last evaluated: 2024-06-17. Review status: no assertion criteria provided. Collection method: clinical testing. Allele origin: germline.
Comment: This variant is classified as likely benign based on ACMG/AMP sequence variant interpretation guidelines (Richards et al. 2015 PMID: 25741868, with internal and published modifications).